The following is an entry in ClinVar:

NM_000206.3(IL2RG):c.865dup (p.Arg289fs)

Gene: IL2RG (interleukin 2 receptor subunit gamma; minus strand). Cytogenetic location: Xq13.1.
Variant type: Duplication.
Coding change: c.865dup on transcript NM_000206.3 (MANE Select); coding-DNA position 865, one base duplicated (C; older notation c.865dupC).
Protein change: p.Arg289fs; shifts the reading frame from arginine 289.
Molecular consequence: frameshift variant.
Genome position (GRCh38, 1-based): chrX:71,108,336, G duplicated on the plus strand (C on the coding strand, the reverse complement: IL2RG is on the minus strand); the first of 4 consecutive G bases (chrX:71,108,336-71,108,339); duplicating any one gives the same sequence. VCF-style (leftmost placement, unchanged base first): chrX-71108335-C-CG. GRCh37 (hg19) VCF-style: chrX-70328185-C-CG.
Other names: short protein forms R289fs.
Identifiers: ClinVar variation 2910488 (VCV002910488.3), dbSNP rs2521702222, ClinGen allele CA2695234548.

ClinVar aggregate classification (germline): Pathogenic (1 of 4 stars; one submission).

Conditions:
X-linked severe combined immunodeficiency (SCIDX1). Also called: IMMUNODEFICIENCY 4; SCID, X-LINKED; SEVERE COMBINED IMMUNODEFICIENCY, X-LINKED, T CELL-NEGATIVE, B CELL-POSITIVE, NK CELL-NEGATIVE; X-Linked Combined Immunodeficiency Diseases; T-B+ severe combined immunodeficiency due to gamma chain deficiency. Identifiers: Orphanet 276, MedGen C6022468, MONDO:0010315, OMIM 300400. Disease mechanism: loss of function.

Submission:

Labcorp Genetics (formerly Invitae), Labcorp
Classification: Pathogenic for X-linked severe combined immunodeficiency. Last evaluated: 2023-05-20. Review status: criteria provided, single submitter. Criteria: Invitae Variant Classification Sherloc (09022015). Collection method: clinical testing. Allele origin: germline.
Comment: This sequence change creates a premature translational stop signal (p.Arg289Profs*14) in the IL2RG gene. While this is not anticipated to result in nonsense mediated decay, it is expected to disrupt the last 81 amino acid(s) of the IL2RG protein. This variant is not present in population databases (gnomAD no frequency). This premature translational stop signal has been observed in individual(s) with primary immunodeficiency disease (PMID: 30290665). This variant is also known as c.865_866insC. This variant disrupts a region of the IL2RG protein in which other variant(s) (p.Arg328*) have been determined to be pathogenic (PMID: 28747913, 30622570, 30778380, 31799703, 32499645). This suggests that this is a clinically significant region of the protein, and that variants that disrupt it are likely to be disease-causing. For these reasons, this variant has been classified as Pathogenic.

Literature cited by the submitters: PubMed 30290665; PubMed 28747913; PubMed 30622570; PubMed 30778380; PubMed 31799703; PubMed 32499645.